The following is an entry in ClinVar:

ClinVar aggregate classification (germline): Likely benign (0 of 4 stars; one submission).

Conditions:
SEMA3F-related disorder. Also called: SEMA3F-related condition.

Allele frequency attached by ClinVar (database versions not stated): TOPMed 0.00012; gnomAD 0.00013; ESP Exome Variant Server 0.00015; ExAC 0.00022; gnomAD exomes 0.00024.
gnomAD v4.1: 357 of 1,613,826 alleles (0.022%); highest among the groups gnomAD compares: South Asian, 0.037%; no homozygotes.

Submission:

PreventionGenetics, part of Exact Sciences
Classification: Likely benign for SEMA3F-related condition. Last evaluated: 2022-04-28. Review status: no assertion criteria provided. Collection method: clinical testing. Allele origin: germline.
Comment: This variant is classified as likely benign based on ACMG/AMP sequence variant interpretation guidelines (Richards et al. 2015 PMID: 25741868, with internal and published modifications).

NM_004186.5(SEMA3F):c.1092C>T (p.Ser364=)

Gene: SEMA3F (semaphorin 3F; plus strand). Cytogenetic location: 3p21.31.
Variant type: single nucleotide variant.
Coding change: c.1092C>T on transcript NM_004186.5 (MANE Select); coding-DNA position 1092, C replaced by T.
Protein change: p.Ser364=; no amino-acid change (serine 364 retained).
Molecular consequence: synonymous variant.
Genome position (GRCh38, 1-based): chr3:50,183,423, C>T. VCF-style: chr3-50183423-C-T. GRCh37 (hg19) VCF-style: chr3-50220856-C-T.
Other names: c.795C>T, p.Ser265= (NM_001318798.2); c.999C>T, p.Ser333= (NM_001318800.2).
Identifiers: ClinVar variation 3051551 (VCV003051551.2), dbSNP rs140413625, ClinGen allele CA2412040.